The following is an entry in ClinVar:

ClinVar aggregate classification (germline): Uncertain significance (1 of 4 stars; one submission).

Allele frequency attached by ClinVar (database versions not stated): gnomAD 0.00001.
gnomAD v4.1: 1 of 1,613,692 alleles (0.000062%); highest among the groups gnomAD compares: African/African-American, 0.0013%; no homozygotes.

Submission:

Labcorp Genetics (formerly Invitae), Labcorp
Classification: Uncertain significance. Last evaluated: 2021-09-05. Review status: criteria provided, single submitter. Criteria: Invitae Variant Classification Sherloc (09022015). Collection method: clinical testing. Allele origin: germline.
Comment: This sequence change replaces lysine with glutamic acid at codon 3408 of the PCLO protein (p.Lys3408Glu). The lysine residue is moderately conserved and there is a small physicochemical difference between lysine and glutamic acid. This variant is not present in population databases (ExAC no frequency). This variant has not been reported in the literature in individuals affected with PCLO-related conditions. Algorithms developed to predict the effect of missense changes on protein structure and function are either unavailable or do not agree on the potential impact of this missense change (SIFT: "Deleterious"; PolyPhen-2: "Not Available"; Align-GVGD: "Class C0"). In summary, the available evidence is currently insufficient to determine the role of this variant in disease. Therefore, it has been classified as a Variant of Uncertain Significance.

NM_033026.6(PCLO):c.10222A>G (p.Lys3408Glu)

Gene: PCLO (piccolo presynaptic cytomatrix protein; minus strand). Cytogenetic location: 7q21.11.
Variant type: single nucleotide variant.
Coding change: c.10222A>G on transcript NM_033026.6 (MANE Select); coding-DNA position 10222, A replaced by G.
Protein change: p.Lys3408Glu; replaces lysine 3408 with glutamic acid.
Molecular consequence: missense variant.
Genome position (GRCh38, 1-based): chr7:82,950,366, T>C on the plus strand (A>G on the coding strand, the complement: PCLO is on the minus strand). VCF-style: chr7-82950366-T-C. GRCh37 (hg19) VCF-style: chr7-82579682-T-C.
Other names: c.10222A>G, p.Lys3408Glu (NM_014510.3); short protein forms K3408E.
Identifiers: ClinVar variation 1503465 (VCV001503465.6), dbSNP rs1795309176, ClinGen allele CA367904951.